The following is an entry in ClinVar:

NM_001040108.2(MLH3):c.361G>C (p.Val121Leu)

Gene: MLH3 (mutL homolog 3; minus strand). Cytogenetic location: 14q24.3.
Variant type: single nucleotide variant.
Coding change: c.361G>C on transcript NM_001040108.2 (MANE Select); coding-DNA position 361, G replaced by C.
Protein change: p.Val121Leu; replaces valine 121 with leucine.
Molecular consequence: missense variant.
Genome position (GRCh38, 1-based): chr14:75,049,295, C>G on the plus strand (G>C on the coding strand, the complement: MLH3 is on the minus strand). VCF-style: chr14-75049295-C-G. GRCh37 (hg19) VCF-style: chr14-75515998-C-G.
Other names: c.361G>C, p.Val121Leu (NM_014381.3); short protein forms V121L.
Identifiers: ClinVar variation 4552130 (VCV004552130.1).

ClinVar aggregate classification (germline): Uncertain significance (1 of 4 stars; one submission).

gnomAD v4.1: 1 of 1,614,202 alleles (0.000062%); highest among the groups gnomAD compares: Non-Finnish European, 0.000085%; no homozygotes.

Submission:

Ambry Genetics
Classification: Uncertain significance. Last evaluated: 2025-12-03. Review status: criteria provided, single submitter. Criteria: Ambry Variant Classification Scheme 2023. Collection method: clinical testing. Allele origin: germline.
Comment: The p.V121L variant (also known as c.361G>C), located in coding exon 1 of the MLH3 gene, results from a G to C substitution at nucleotide position 361. The valine at codon 121 is replaced by leucine, an amino acid with highly similar properties. This amino acid position is conserved. In addition, the in silico prediction for this alteration is inconclusive. Based on the available evidence, the clinical significance of this variant remains unclear.